The following is an entry in ClinVar:

NM_002294.3(LAMP2):c.59T>G (p.Val20Gly)

Gene: LAMP2 (lysosome associated membrane protein 2; minus strand). Cytogenetic location: Xq24.
Variant type: single nucleotide variant.
Coding change: c.59T>G on transcript NM_002294.3 (MANE Select); coding-DNA position 59, T replaced by G.
Protein change: p.Val20Gly; replaces valine 20 with glycine.
Molecular consequence: missense variant.
Genome position (GRCh38, 1-based): chrX:120,469,111, A>C on the plus strand (T>G on the coding strand, the complement: LAMP2 is on the minus strand). VCF-style: chrX-120469111-A-C. GRCh37 (hg19) VCF-style: chrX-119602966-A-C.
Other names: c.59T>G, p.Val20Gly (NM_001122606.1, NM_013995.2); short protein forms V20G.
Identifiers: ClinVar variation 941520 (VCV000941520.9), dbSNP rs1921661568, ClinGen allele CA414397818.

ClinVar aggregate classification (germline): Uncertain significance (1 of 4 stars; one submission).

Conditions:
Danon disease. Also called: PSEUDOGLYCOGENOSIS II; GSD IIb; LYSOSOMAL GLYCOGEN STORAGE DISEASE WITHOUT ACID MALTASE DEFICIENCY; ANTOPOL DISEASE; Glycogen Storage Disease Type IIb. Identifiers: Orphanet 34587, MedGen C0878677, MONDO:0010281, OMIM 300257.

Submission:

Labcorp Genetics (formerly Invitae), Labcorp
Classification: Uncertain significance for Danon disease. Last evaluated: 2019-07-13. Review status: criteria provided, single submitter. Criteria: Invitae Variant Classification Sherloc (09022015). Collection method: clinical testing. Allele origin: germline.
Comment: In summary, the available evidence is currently insufficient to determine the role of this variant in disease. Therefore, it has been classified as a Variant of Uncertain Significance. Algorithms developed to predict the effect of missense changes on protein structure and function are either unavailable or do not agree on the potential impact of this missense change (SIFT: "Deleterious"; PolyPhen-2: "Benign"; Align-GVGD: "Class C0"). This variant has not been reported in the literature in individuals with LAMP2-related conditions. This variant is not present in population databases (ExAC no frequency). This sequence change replaces valine with glycine at codon 20 of the LAMP2 protein (p.Val20Gly). The valine residue is weakly conserved and there is a moderate physicochemical difference between valine and glycine.